The following is an entry in ClinVar:

ClinVar aggregate classification (germline): Benign/Likely benign. Review status: criteria provided, multiple submitters, no conflicts (2 of 4 stars). 5 submissions from 5 submitters: Benign (4); Likely benign (1). Last evaluated 2025-12-26.

Conditions:
Familial idiopathic hypercalciuria (HCA2). Also called: Hypercalciuria, absorptive, susceptibility to; Hypercalciuria, absorptive, 2. Identifiers: MedGen C0342639, MONDO:0007748, OMIM 143870.
ADCY10-related disorder. Also called: ADCY10-related condition.

Allele frequency attached by ClinVar (database versions not stated): gnomAD 0.00729 and 0.00762; TOPMed 0.00785; ESP Exome Variant Server 0.00815; 1000 Genomes Project 0.00839; 1000 Genomes Project 30x 0.01015.
gnomAD v4.1: 2,219 of 1,614,126 alleles (0.14%); highest among the groups gnomAD compares: African/African-American, 2.6%; 25 homozygotes.

Submissions (5):

Labcorp Genetics (formerly Invitae), Labcorp
Classification: Benign. Last evaluated: 2025-12-26. Review status: criteria provided, single submitter. Criteria: Invitae Variant Classification Sherloc (09022015). Collection method: clinical testing. Allele origin: germline.

PreventionGenetics, part of Exact Sciences
Classification: Benign for ADCY10-related condition. Last evaluated: 2025-07-03. Review status: criteria provided, single submitter. Criteria: ACMG Guidelines, 2015. Collection method: clinical testing. Allele origin: germline.
Comment: This variant is classified as benign based on ACMG/AMP sequence variant interpretation guidelines (Richards et al. 2015 PMID: 25741868, with internal and published modifications).

Mayo Clinic Laboratories, Mayo Clinic
Classification: Benign. Last evaluated: 2024-06-14. Review status: criteria provided, single submitter. Criteria: ACMG Guidelines, 2015. Collection method: clinical testing. Allele origin: germline. Observed: 2 variant alleles.
Comment: BA1, BS2, BP4, BP7

Fulgent Genetics
Classification: Likely benign for Familial idiopathic hypercalciuria. Last evaluated: 2021-07-23. Review status: criteria provided, single submitter. Criteria: ACMG Guidelines, 2015. Collection method: clinical testing. Allele origin: unknown.

Breakthrough Genomics
Classification: Benign. Review status: criteria provided, single submitter. Criteria: ACMG Guidelines, 2015. Collection method: not provided. Allele origin: germline. Inheritance: Autosomal dominant inheritance. Affected: yes.

NM_018417.6(ADCY10):c.4752T>C (p.Ile1584=)

Gene: ADCY10 (adenylate cyclase 10; minus strand). Cytogenetic location: 1q24.2.
Variant type: single nucleotide variant.
Coding change: c.4752T>C on transcript NM_018417.6 (MANE Select); coding-DNA position 4752, T replaced by C.
Protein change: p.Ile1584=; no amino-acid change (isoleucine 1584 retained).
Molecular consequence: synonymous variant.
Genome position (GRCh38, 1-based): chr1:167,809,759, A>G on the plus strand (T>C on the coding strand, the complement: ADCY10 is on the minus strand). VCF-style: chr1-167809759-A-G. GRCh37 (hg19) VCF-style: chr1-167778996-A-G.
Other names: p.Ile1584=; c.4293T>C, p.Ile1431= (NM_001167749.3); c.4476T>C, p.Ile1492= (NM_001297772.2).
Identifiers: ClinVar variation 720996 (VCV000720996.13), dbSNP rs59725214, ClinGen allele CA1226923.
Genomic context (GRCh38, chr1:167,809,759, plus strand): 5'-ATTAGCTCTCATCAGGAATTTGTTTTTTTGAAGATCCTGAATGTTTACCCTGCCTGCTAC[A>G]ATTTTTTCCCATGATGGGAGACTCAAGATCGTCTGAAGCCATTGGTCTTCTTTTAACTCA-3'
Protein context (NP_060887.2, residues 1574-1594): TILSLPSWEK[Ile1584=]VAGRVNIQDL